The following is an entry in ClinVar:

ClinVar aggregate classification (germline): Benign (1 of 4 stars; one submission).

Allele frequency attached by ClinVar (database versions not stated): 1000 Genomes Project 0.82548; gnomAD 0.82712 and 0.82845; 1000 Genomes Project 30x 0.83026; TOPMed 0.83173.
gnomAD v4.1: 125,713 of 151,984 alleles (83%); highest among the groups gnomAD compares: African/African-American, 86%; 51,997 homozygotes.

Submission:

GeneDx
Classification: Benign. Last evaluated: 2018-06-19. Review status: criteria provided, single submitter. Criteria: GeneDx Variant Classification (06012015). Collection method: clinical testing. Allele origin: germline. Affected: yes.
Comment: This variant is considered likely benign or benign based on one or more of the following criteria: it is a conservative change, it occurs at a poorly conserved position in the protein, it is predicted to be benign by multiple in silico algorithms, and/or has population frequency not consistent with disease.

NM_005045.4(RELN):c.7350-260A>G

Gene: RELN (reelin; minus strand). Cytogenetic location: 7q22.1.
Variant type: single nucleotide variant.
Coding change: c.7350-260A>G on transcript NM_005045.4 (MANE Select); 260 bases into the intron before coding-DNA position 7350, A replaced by G.
Molecular consequence: intron variant.
Genome position (GRCh38, 1-based): chr7:103,523,791, T>C on the plus strand (A>G on the coding strand, the complement: RELN is on the minus strand). VCF-style: chr7-103523791-T-C. GRCh37 (hg19) VCF-style: chr7-103164238-T-C.
Other names: c.7350-260A>G (NM_173054.3).
Identifiers: ClinVar variation 684073 (VCV000684073.1), dbSNP rs2240962, ClinGen allele CA12517193.